The following is an entry in ClinVar:

NM_006509.4(RELB):c.224C>T (p.Pro75Leu)

Gene: RELB (RELB proto-oncogene, NF-kB subunit; plus strand). Cytogenetic location: 19q13.32.
Variant type: single nucleotide variant.
Coding change: c.224C>T on transcript NM_006509.4 (MANE Select); coding-DNA position 224, C replaced by T.
Protein change: p.Pro75Leu; replaces proline 75 with leucine.
Molecular consequence: missense variant.
Genome position (GRCh38, 1-based): chr19:45,011,996, C>T. VCF-style: chr19-45011996-C-T. GRCh37 (hg19) VCF-style: chr19-45515254-C-T.
Other names: c.215C>T, p.Pro72Leu (NM_001411087.1); short protein forms P72L, P75L.
Identifiers: ClinVar variation 4771907 (VCV004771907.1).

ClinVar aggregate classification (germline): Uncertain significance (1 of 4 stars; one submission).

gnomAD v4.1: 1 of 1,573,302 alleles (0.000064%); highest among the groups gnomAD compares: Non-Finnish European, 0.000086%; no homozygotes.

Submission:

Labcorp Genetics (formerly Invitae), Labcorp
Classification: Uncertain significance. Last evaluated: 2025-11-01. Review status: criteria provided, single submitter. Criteria: Invitae Variant Classification Sherloc (09022015). Collection method: clinical testing. Allele origin: germline.
Comment: This sequence change replaces proline, which is neutral and non-polar, with leucine, which is neutral and non-polar, at codon 75 of the RELB protein (p.Pro75Leu). This variant is not present in population databases (gnomAD no frequency). This variant has not been reported in the literature in individuals affected with RELB-related conditions. An algorithm developed to predict the effect of missense changes on protein structure and function outputs the following: PolyPhen-2: "Benign". The leucine amino acid residue is found in multiple mammalian species, which suggests that this missense change does not adversely affect protein function. In summary, the available evidence is currently insufficient to determine the role of this variant in disease. Therefore, it has been classified as a Variant of Uncertain Significance.